The following is an entry in ClinVar:

NM_001004334.4(GPR179):c.5180C>G (p.Ser1727Cys)

Gene: GPR179 (G protein-coupled receptor 179; minus strand). Cytogenetic location: 17q12.
Variant type: single nucleotide variant.
Coding change: c.5180C>G on transcript NM_001004334.4 (MANE Select); coding-DNA position 5180, C replaced by G.
Protein change: p.Ser1727Cys; replaces serine 1727 with cysteine.
Molecular consequence: missense variant.
Genome position (GRCh38, 1-based): chr17:38,328,389, G>C on the plus strand (C>G on the coding strand, the complement: GPR179 is on the minus strand). VCF-style: chr17-38328389-G-C. GRCh37 (hg19) VCF-style: chr17-36484272-G-C.
Other names: short protein forms S1727C.
Identifiers: ClinVar variation 1518380 (VCV001518380.6), dbSNP rs2144257316, ClinGen allele CA398873101.

ClinVar aggregate classification (germline): Uncertain significance (1 of 4 stars; one submission).

Submission:

Labcorp Genetics (formerly Invitae), Labcorp
Classification: Uncertain significance. Last evaluated: 2022-07-11. Review status: criteria provided, single submitter. Criteria: Invitae Variant Classification Sherloc (09022015). Collection method: clinical testing. Allele origin: germline.
Comment: Algorithms developed to predict the effect of missense changes on protein structure and function are either unavailable or do not agree on the potential impact of this missense change (SIFT: "Tolerated"; PolyPhen-2: "Possibly Damaging"; Align-GVGD: "Class C0"). ClinVar contains an entry for this variant (Variation ID: 1518380). This variant has not been reported in the literature in individuals affected with GPR179-related conditions. In summary, the available evidence is currently insufficient to determine the role of this variant in disease. Therefore, it has been classified as a Variant of Uncertain Significance. This sequence change replaces serine, which is neutral and polar, with cysteine, which is neutral and slightly polar, at codon 1727 of the GPR179 protein (p.Ser1727Cys). This variant is not present in population databases (gnomAD no frequency).